The following is an entry in ClinVar:

NM_001129.5(AEBP1):c.507G>A (p.Arg169=)

Gene: AEBP1 (AE binding protein 1; plus strand). Cytogenetic location: 7p13.
Variant type: single nucleotide variant.
Coding change: c.507G>A on transcript NM_001129.5 (MANE Select); coding-DNA position 507, G replaced by A.
Protein change: p.Arg169=; no amino-acid change (arginine 169 retained).
Molecular consequence: synonymous variant.
Genome position (GRCh38, 1-based): chr7:44,106,799, G>A. VCF-style: chr7-44106799-G-A. GRCh37 (hg19) VCF-style: chr7-44146398-G-A.
Other names: c.507G>A (NM_001129.4).
Identifiers: ClinVar variation 2154188 (VCV002154188.5), dbSNP rs200698594, ClinGen allele CA4237489.

ClinVar aggregate classification (germline): Likely benign. Review status: criteria provided, single submitter (1 of 4 stars). 2 submissions from 2 submitters: Likely benign (1). 1 of the submissions does not count toward it. Last evaluated 2025-11-22.

Conditions:
AEBP1-related disorder. Also called: AEBP1-related condition.

Allele frequency attached by ClinVar (database versions not stated): 1000 Genomes Project 0.00040; TOPMed 0.00051; 1000 Genomes Project 30x 0.00062.
gnomAD v4.1: 62 of 1,611,048 alleles (0.0038%); highest among the groups gnomAD compares: Admixed American, 0.067%; 1 homozygote.

Submissions (2):

Labcorp Genetics (formerly Invitae), Labcorp
Classification: Likely benign. Last evaluated: 2025-11-22. Review status: criteria provided, single submitter. Criteria: Invitae Variant Classification Sherloc (09022015). Collection method: clinical testing. Allele origin: germline.

PreventionGenetics, part of Exact Sciences
Classification: Likely benign for AEBP1-related condition. Last evaluated: 2024-07-15. Review status: no assertion criteria provided. Collection method: clinical testing. Allele origin: germline. Not counted in ClinVar's aggregate classification.
Comment: This variant is classified as likely benign based on ACMG/AMP sequence variant interpretation guidelines (Richards et al. 2015 PMID: 25741868, with internal and published modifications).